The following is an entry in ClinVar:

ClinVar aggregate classification (germline): Likely pathogenic (1 of 4 stars; one submission).

Conditions:
Velopharyngeal insufficiency. Also called: Congenital velopharyngeal incompetence. Identifiers: Orphanet 2291, MedGen C0042454, MONDO:0008180, OMIM 167500, HP:0000220.

Submission:

Center for Human Genetics and Genomic Medicine, Uniklinik Rwth Aachen
Classification: Likely pathogenic for Velopharyngeal insufficiency. Last evaluated: 2026-07-29. Review status: criteria provided, single submitter. Criteria: ACMG Guidelines, 2015. Collection method: clinical testing. Allele origin: maternal. Inheritance: Autosomal dominant inheritance. Affected: yes. Observed: 1 variant allele, 1 heterozygote.
Comment: To date, this variant has not been reported in the literature or in the ClinVar database. It has not yet been detected in the general population (gnomAD v4.1.0) (PM2_Supporting). This is a loss-of-function variant in the last exon of the TBX1 gene. Haploinsufficiency is an established pathomechanism for the TBX1 gene; however, the variant mentioned above likely escapes so-called nonsense-mediated mRNA decay (NMD). Nevertheless, loss-of-function variants in the last exon of the TBX1 gene are very likely to be functionally relevant, as similar variants have already been reported in several families with clinical symptoms similar to those of the patient (Alghamdi et al., Li et al., Ogata et al.) (PVS1_Strong). The variant segregates within the family with the same phenotype (PP1).

Literature cited by the submitters: PubMed 32110744; PubMed 30137364; PubMed 24637876.

NM_001379200.1(TBX1):c.1185_1188dup (p.Ala397fs)

Gene: TBX1 (T-box transcription factor 1; plus strand). Cytogenetic location: 22q11.21.
Variant type: Duplication.
Coding change: c.1185_1188dup on transcript NM_001379200.1 (MANE Select); coding-DNA positions 1185 to 1188, 4 bases duplicated (CGGC; older notation c.1185_1188dupCGGC).
Protein change: p.Ala397fs; shifts the reading frame from alanine 397.
Molecular consequence: frameshift variant. On other transcripts: intron variant (2).
Genome position (GRCh38, 1-based): chr22:19,766,537-19,766,540, CGGC duplicated; duplicating any 4 consecutive bases within chr22:19,766,536-19,766,540 gives the same sequence; the c. name uses the placement nearest the transcript's 3' end. VCF-style (leftmost placement, unchanged base first): chr22-19766535-C-CCCGG. GRCh37 (hg19) VCF-style: chr22-19754058-C-CCCGG.
Other names: c.1158_1161dup, p.Ala388fs (NM_080647.1); c.1009+535_1009+538dup (NM_005992.1, NM_080646.2); short protein forms A388fs, A397fs.
Identifiers: ClinVar variation 4884875 (VCV004884875.1).